The following is an entry in ClinVar:

ClinVar aggregate classification (germline): Uncertain significance (1 of 4 stars; one submission).

Submission:

Labcorp Genetics (formerly Invitae), Labcorp
Classification: Uncertain significance. Last evaluated: 2025-02-08. Review status: criteria provided, single submitter. Criteria: Invitae Variant Classification Sherloc (09022015). Collection method: clinical testing. Allele origin: germline.
Comment: This sequence change replaces proline, which is neutral and non-polar, with arginine, which is basic and polar, at codon 119 of the RUNX2 protein (p.Pro119Arg). This variant is not present in population databases (gnomAD no frequency). This variant has not been reported in the literature in individuals affected with RUNX2-related conditions. Invitae Evidence Modeling of protein sequence and biophysical properties (such as structural, functional, and spatial information, amino acid conservation, physicochemical variation, residue mobility, and thermodynamic stability) indicates that this missense variant is expected to disrupt RUNX2 protein function with a positive predictive value of 80%. In summary, the available evidence is currently insufficient to determine the role of this variant in disease. Therefore, it has been classified as a Variant of Uncertain Significance.

NM_001024630.4(RUNX2):c.356C>G (p.Pro119Arg)

Gene: RUNX2 (RUNX family transcription factor 2; plus strand). Cytogenetic location: 6p21.1.
Variant type: single nucleotide variant.
Coding change: c.356C>G on transcript NM_001024630.4 (MANE Select); coding-DNA position 356, C replaced by G.
Protein change: p.Pro119Arg; replaces proline 119 with arginine.
Molecular consequence: missense variant.
Genome position (GRCh38, 1-based): chr6:45,422,890, C>G. VCF-style: chr6-45422890-C-G. GRCh37 (hg19) VCF-style: chr6-45390627-C-G.
Other names: c.356C>G, p.Pro119Arg (NM_001015051.4); c.314C>G, p.Pro105Arg (NM_001278478.2, NM_001369405.1); short protein forms P119R, P105R.
Identifiers: ClinVar variation 4712585 (VCV004712585.1).